The following is an entry in ClinVar:

NM_020693.4(DSCAML1):c.3008T>C (p.Ile1003Thr)

Gene: DSCAML1 (DS cell adhesion molecule like 1; minus strand). Cytogenetic location: 11q23.3.
Variant type: single nucleotide variant.
Coding change: c.3008T>C on transcript NM_020693.4 (MANE Select); coding-DNA position 3008, T replaced by C.
Protein change: p.Ile1003Thr; replaces isoleucine 1003 with threonine.
Molecular consequence: missense variant.
Genome position (GRCh38, 1-based): chr11:117,469,926, A>G on the plus strand (T>C on the coding strand, the complement: DSCAML1 is on the minus strand). VCF-style: chr11-117469926-A-G. GRCh37 (hg19) VCF-style: chr11-117340642-A-G.
Other names: short protein forms I1003T.
Identifiers: ClinVar variation 2023425 (VCV002023425.4), dbSNP rs2543124334, ClinGen allele CA382741503.
Genomic context (GRCh38, chr11:117,469,926, plus strand): 5'-GAGGCAAGCAGACATTCCAGGGGAGATGCCTTAGACACACTTACCTTCCAGGTCACCTGG[A>G]TGCTCTGTGAGGTCACTGGCTGCAAGGTAACATCCATGGGGGGCCCATCGGGAGCTGAGC-3'
Protein context (NP_065744.3, residues 993-1013): VTLQPVTSQS[Ile1003Thr]QVTWKAPKKE

ClinVar aggregate classification (germline): Uncertain significance (1 of 4 stars; one submission).

Submission:

Labcorp Genetics (formerly Invitae), Labcorp
Classification: Uncertain significance. Last evaluated: 2022-08-22. Review status: criteria provided, single submitter. Criteria: Invitae Variant Classification Sherloc (09022015). Collection method: clinical testing. Allele origin: germline.
Comment: This sequence change replaces isoleucine, which is neutral and non-polar, with threonine, which is neutral and polar, at codon 1063 of the DSCAML1 protein (p.Ile1063Thr). In summary, the available evidence is currently insufficient to determine the role of this variant in disease. Therefore, it has been classified as a Variant of Uncertain Significance. Algorithms developed to predict the effect of missense changes on protein structure and function (SIFT, PolyPhen-2, Align-GVGD) all suggest that this variant is likely to be disruptive. This variant has not been reported in the literature in individuals affected with DSCAML1-related conditions. This variant is not present in population databases (gnomAD no frequency).